The following is an entry in ClinVar:

NM_001849.4(COL6A2):c.1161C>T (p.Ile387=)

Gene: COL6A2 (collagen type VI alpha 2 chain; plus strand). Cytogenetic location: 21q22.3.
Variant type: single nucleotide variant.
Coding change: c.1161C>T on transcript NM_001849.4 (MANE Select); coding-DNA position 1161, C replaced by T.
Protein change: p.Ile387=; no amino-acid change (isoleucine 387 retained).
Molecular consequence: synonymous variant.
Genome position (GRCh38, 1-based): chr21:46,118,658, C>T. VCF-style: chr21-46118658-C-T. GRCh37 (hg19) VCF-style: chr21-47538572-C-T.
Other names: c.1161C>T, p.Ile387= (NM_058174.3, NM_058175.3).
Identifiers: ClinVar variation 93902 (VCV000093902.64), dbSNP rs140027285, ClinGen allele CA221807.

ClinVar aggregate classification (germline): Benign/Likely benign. Review status: criteria provided, multiple submitters, no conflicts (2 of 4 stars). 7 submissions from 7 submitters: Benign (2); Likely benign (5). Last evaluated 2026-09-01.

Conditions:
Bethlem myopathy 1A. Also called: MYOPATHY, BENIGN CONGENITAL, WITH CONTRACTURES; Bethlem myopathy 1; Bethlem Muscular Dystrophy. Identifiers: Orphanet 610, MedGen CN029274, MONDO:0024530, OMIM 158810.
Collagen 6-related myopathy. Identifiers: MedGen CN117976, MONDO:0100225.

Allele frequency attached by ClinVar (database versions not stated): 1000 Genomes Project 0.00120; 1000 Genomes Project 30x 0.00156; TOPMed 0.00211; gnomAD 0.00226 and 0.00229; gnomAD exomes 0.00249 and 0.00360; ESP Exome Variant Server 0.00254; ExAC 0.00333.

Submissions (7):

CeGaT Center for Human Genetics Tuebingen
Classification: Likely benign. Last evaluated: 2026-09-01. Review status: criteria provided, single submitter. Criteria: CeGaT Center For Human Genetics Tuebingen Variant Classification Criteria Version 2. Collection method: clinical testing. Allele origin: germline. Affected: yes. Observed: 14 variant alleles.
Comment: COL6A2: PM5, BS2

Labcorp Genetics (formerly Invitae), Labcorp
Classification: Benign for Bethlem myopathy 1A. Last evaluated: 2026-01-20. Review status: criteria provided, single submitter. Criteria: Invitae Variant Classification Sherloc (09022015). Collection method: clinical testing. Allele origin: germline.

GeneDx
Classification: Likely benign. Last evaluated: 2020-07-10. Review status: criteria provided, single submitter. Criteria: GeneDx Variant Classification Process June 2021. Collection method: clinical testing. Allele origin: germline. Affected: yes.
Comment: This variant is associated with the following publications: (PMID: 30564623)

Illumina Laboratory Services, Illumina
Classification: Benign for Collagen VI-related myopathy. Last evaluated: 2018-01-13. Review status: criteria provided, single submitter. Criteria: ICSL Variant Classification Criteria 13 December 2019. Collection method: clinical testing. Allele origin: germline.
Comment: This variant was observed in the ICSL laboratory as part of a predisposition screen in an ostensibly healthy population. It had not been previously curated by ICSL or reported in the Human Gene Mutation Database (HGMD: prior to June 1st, 2018), and was therefore a candidate for classification through an automated scoring system. Utilizing variant allele frequency, disease prevalence and penetrance estimates, and inheritance mode, an automated score was calculated to assess if this variant is too frequent to cause the disease. Based on the score and internal cut-off values, a variant classified as benign is not then subjected to further curation. The score for this variant resulted in a classification of benign for this disease.

Eurofins Ntd Llc (ga)
Classification: Likely benign. Last evaluated: 2015-10-05. Review status: criteria provided, single submitter. Criteria: EGL Classification Definitions 2015. Collection method: clinical testing. Allele origin: germline. Observed: 5 variant alleles, 5 heterozygotes.

Breakthrough Genomics
Classification: Likely benign. Review status: criteria provided, single submitter. Criteria: ACMG Guidelines, 2015. Collection method: not provided. Allele origin: germline. Inheritance: Autosomal recessive inheritance. Affected: yes.

PreventionGenetics, part of Exact Sciences
Classification: Likely benign. Review status: criteria provided, single submitter. Criteria: ACMG Guidelines, 2015. Collection method: clinical testing. Allele origin: germline.